The following is an entry in ClinVar:

ClinVar aggregate classification (germline): Uncertain significance. Review status: criteria provided, multiple submitters, no conflicts (2 of 4 stars). 2 submissions from 2 submitters: Uncertain significance (2). Last evaluated 2024-06-13.

Allele frequency attached by ClinVar (database versions not stated): gnomAD 0.00001; gnomAD exomes 0.00001 and 0.00008; ExAC 0.00003; TOPMed 0.00003; ESP Exome Variant Server 0.00008.
gnomAD v4.1: 119 of 1,605,648 alleles (0.0074%); highest among the groups gnomAD compares: Non-Finnish European, 0.0097%; no homozygotes.

Submissions (2):

Ambry Genetics
Classification: Uncertain significance. Last evaluated: 2024-06-13. Review status: criteria provided, single submitter. Criteria: Ambry Variant Classification Scheme 2023. Collection method: clinical testing. Allele origin: germline.

Labcorp Genetics (formerly Invitae), Labcorp
Classification: Uncertain significance. Last evaluated: 2022-07-07. Review status: criteria provided, single submitter. Criteria: Invitae Variant Classification Sherloc (09022015). Collection method: clinical testing. Allele origin: germline.
Comment: This variant is present in population databases (rs371145698, gnomAD 0.003%). This sequence change replaces methionine, which is neutral and non-polar, with threonine, which is neutral and polar, at codon 927 of the PITPNM3 protein (p.Met927Thr). In summary, the available evidence is currently insufficient to determine the role of this variant in disease. Therefore, it has been classified as a Variant of Uncertain Significance. Algorithms developed to predict the effect of missense changes on protein structure and function are either unavailable or do not agree on the potential impact of this missense change (SIFT: "Deleterious"; PolyPhen-2: "Benign"; Align-GVGD: "Class C0"). ClinVar contains an entry for this variant (Variation ID: 1061355). This variant has not been reported in the literature in individuals affected with PITPNM3-related conditions.

NM_031220.4(PITPNM3):c.2780T>C (p.Met927Thr)

Gene: PITPNM3 (PITPNM family member 3; minus strand). Cytogenetic location: 17p13.2.
Variant type: single nucleotide variant.
Coding change: c.2780T>C on transcript NM_031220.4 (MANE Select); coding-DNA position 2780, T replaced by C.
Protein change: p.Met927Thr; replaces methionine 927 with threonine.
Molecular consequence: missense variant.
Genome position (GRCh38, 1-based): chr17:6,455,483, A>G on the plus strand (T>C on the coding strand, the complement: PITPNM3 is on the minus strand). VCF-style: chr17-6455483-A-G. GRCh37 (hg19) VCF-style: chr17-6358803-A-G.
Other names: c.2672T>C, p.Met891Thr (NM_001165966.2); c.2780T>C (NM_031220.3); short protein forms M891T, M927T.
Identifiers: ClinVar variation 1061355 (VCV001061355.10), dbSNP rs371145698, ClinGen allele CA8329017.